The following is an entry in ClinVar:

ClinVar aggregate classification (germline): Uncertain significance (0 of 4 stars; one submission).

Conditions:
Prostate cancer. Also called: Malignant tumor of prostate. Identifiers: Orphanet 1331, MedGen C0376358, MONDO:0008315, HP:0012125.

Submission:

Science for Life laboratory,  Karolinska Institutet
Classification: Uncertain significance for Malignant tumor of prostate. Review status: no assertion criteria provided. Collection method: not provided. Allele origin: somatic.
Comment: TumorID:SWE-9
ClinVar note: Converted during submission from Unknown to Uncertain significance.

NM_001391906.1(EIF4G3):c.2710G>T (p.Asp904Tyr)

Gene: EIF4G3 (eukaryotic translation initiation factor 4 gamma 3; minus strand). Cytogenetic location: 1p36.12.
Variant type: single nucleotide variant.
Coding change: c.2710G>T on transcript NM_001391906.1 (MANE Select); coding-DNA position 2710, G replaced by T.
Protein change: p.Asp904Tyr; replaces aspartic acid 904 with tyrosine.
Molecular consequence: missense variant.
Genome position (GRCh38, 1-based): chr1:20,865,175, C>A on the plus strand (G>T on the coding strand, the complement: EIF4G3 is on the minus strand). VCF-style: chr1-20865175-C-A. GRCh37 (hg19) VCF-style: chr1-21191668-C-A.
Other names: c.2650G>T, p.Asp884Tyr (NM_001198801.3); c.2560G>T, p.Asp854Tyr (NM_001198802.3); c.2542G>T, p.Asp848Tyr (NM_001391892.1, NM_001391893.1, NM_001391894.1 and 1 more transcripts); c.2539G>T, p.Asp847Tyr (NM_001391896.1, NM_001391899.1, NM_001391900.1); c.2395G>T, p.Asp799Tyr (NM_001391897.1); c.2575G>T, p.Asp859Tyr (NM_001391898.1); c.2563G>T, p.Asp855Tyr (NM_001391901.1); c.2653G>T, p.Asp885Tyr (NM_001391902.1, NM_001391903.1, NM_001391904.1); and 2 more; short protein forms D884Y, D848Y, D854Y, D799Y, D847Y, D855Y, D859Y, D885Y.
Identifiers: ClinVar variation 161563 (VCV000161563.2), dbSNP rs193921047, ClinGen allele CA174350.
Genomic context (GRCh38, chr1:20,865,175, plus strand): 5'-CAGCACTGGCAGCCTCAAGTTCTTTCTGCTTCTTCTCAAAGACATCATCATCTGCTTTAT[C>A]TTTTTCAAACTCCTTCTGGCAACGGTTCAGTAGCAGCTTCCGGAAATTCACTGTGTTACC-3'
Protein context (NP_001378835.1, residues 894-914): LNRCQKEFEK[Asp904Tyr]KADDDVFEKK